The following is an entry in ClinVar:

NM_001321120.2(TBX4):c.921C>T (p.Asn307=)

Gene: TBX4 (T-box transcription factor 4; plus strand). Cytogenetic location: 17q23.2.
Variant type: single nucleotide variant.
Coding change: c.921C>T on transcript NM_001321120.2 (MANE Select); coding-DNA position 921, C replaced by T.
Protein change: p.Asn307=; no amino-acid change (asparagine 307 retained).
Molecular consequence: synonymous variant.
Genome position (GRCh38, 1-based): chr17:61,480,219, C>T. VCF-style: chr17-61480219-C-T. GRCh37 (hg19) VCF-style: chr17-59557580-C-T.
Other names: c.921C>T, p.Asn307= (NM_018488.3, LRG_1206t1).
Identifiers: ClinVar variation 324255 (VCV000324255.14), dbSNP rs141188668, ClinGen allele CA8689966.

ClinVar aggregate classification (germline): Benign. Review status: criteria provided, multiple submitters, no conflicts (2 of 4 stars). 3 submissions from 3 submitters: Benign (2). 1 of the submissions does not count toward it. Last evaluated 2025-10-13.

Conditions:
TBX4-related disorder. Also called: TBX4-related condition; TBX4-related disorders.
Coxopodopatellar syndrome. Also called: ISCHIOCOXOPODOPATELLAR SYNDROME WITH OR WITHOUT PULMONARY ARTERIAL HYPERTENSION; ISCHIOCOXOPODOPATELLAR SYNDROME; PATELLA APLASIA, COXA VARA, AND TARSAL SYNOSTOSIS; ISCHIOPATELLAR DYSPLASIA; SCOTT-TAOR SYNDROME; Congenital coxa vara, patella aplasia and tarsal synostosis. Identifiers: Orphanet 1509, MedGen C1840061, MONDO:0007841, OMIM 147891.

Allele frequency attached by ClinVar (database versions not stated): gnomAD exomes 0.00006 and 0.00014; ExAC 0.00018; 1000 Genomes Project 0.00020; 1000 Genomes Project 30x 0.00031; gnomAD 0.00052 and 0.00056; TOPMed 0.00052; ESP Exome Variant Server 0.00062.

Submissions (3):

Labcorp Genetics (formerly Invitae), Labcorp
Classification: Benign. Last evaluated: 2025-10-13. Review status: criteria provided, single submitter. Criteria: Invitae Variant Classification Sherloc (09022015). Collection method: clinical testing. Allele origin: germline.

Illumina Laboratory Services, Illumina
Classification: Benign for Coxopodopatellar syndrome. Last evaluated: 2018-01-12. Review status: criteria provided, single submitter. Criteria: ICSL Variant Classification Criteria 13 December 2019. Collection method: clinical testing. Allele origin: germline.
Comment: This variant was observed in the ICSL laboratory as part of a predisposition screen in an ostensibly healthy population. It had not been previously curated by ICSL or reported in the Human Gene Mutation Database (HGMD: prior to June 1st, 2018), and was therefore a candidate for classification through an automated scoring system. Utilizing variant allele frequency, disease prevalence and penetrance estimates, and inheritance mode, an automated score was calculated to assess if this variant is too frequent to cause the disease. Based on the score and internal cut-off values, a variant classified as benign is not then subjected to further curation. The score for this variant resulted in a classification of benign for this disease.

PreventionGenetics, part of Exact Sciences
Classification: Likely benign for TBX4-related condition. Last evaluated: 2024-05-09. Review status: no assertion criteria provided. Collection method: clinical testing. Allele origin: germline. Not counted in ClinVar's aggregate classification.
Comment: This variant is classified as likely benign based on ACMG/AMP sequence variant interpretation guidelines (Richards et al. 2015 PMID: 25741868, with internal and published modifications).